The following is an entry in ClinVar:

ClinVar aggregate classification (germline): Benign/Likely benign. Review status: criteria provided, multiple submitters, no conflicts (2 of 4 stars). 7 submissions from 7 submitters: Benign (3); Likely benign (3). 1 of the submissions does not count toward it. Last evaluated 2025-12-22.

Conditions:
ANKRD11-related disorder. Also called: ANKRD11-related condition.
Inborn genetic diseases. Identifiers: MedGen C0950123, MeSH D030342.
KBG syndrome (KBGS). Also called: ANKRD11-Related KBG Syndrome. Identifiers: Orphanet 2332, MedGen C0220687, MONDO:0007846, OMIM 148050.

Allele frequency attached by ClinVar (database versions not stated): 1000 Genomes Project 30x 0.00016; ESP Exome Variant Server 0.00077; TOPMed 0.00088.
gnomAD v4.1: 255 of 1,613,106 alleles (0.016%); highest among the groups gnomAD compares: African/African-American, 0.23%; no homozygotes.

Submissions (7):

Ambry Genetics
Classification: Likely benign for Inborn genetic diseases. Last evaluated: 2025-12-22. Review status: criteria provided, single submitter. Criteria: Ambry Variant Classification Scheme 2023. Collection method: clinical testing. Allele origin: germline.

Labcorp Genetics (formerly Invitae), Labcorp
Classification: Likely benign for KBG syndrome. Last evaluated: 2025-11-29. Review status: criteria provided, single submitter. Criteria: Invitae Variant Classification Sherloc (09022015). Collection method: clinical testing. Allele origin: germline.

Blueprint Genetics
Classification: Likely benign. Last evaluated: 2023-05-24. Review status: criteria provided, single submitter. Criteria: ACMG Guidelines, 2015. Collection method: clinical testing. Allele origin: germline.

Genome-Nilou Lab
Classification: Benign for KBG syndrome. Last evaluated: 2021-12-05. Review status: criteria provided, single submitter. Criteria: ACMG Guidelines, 2015. Collection method: clinical testing. Allele origin: germline. Affected: no.

GeneDx
Classification: Benign. Last evaluated: 2021-04-06. Review status: criteria provided, single submitter. Criteria: GeneDx Variant Classification Process June 2021. Collection method: clinical testing. Allele origin: germline. Affected: yes.

Athena Diagnostics
Classification: Benign. Last evaluated: 2018-11-20. Review status: criteria provided, single submitter. Criteria: Athena Diagnostics Criteria. Collection method: clinical testing. Allele origin: germline.

PreventionGenetics, part of Exact Sciences
Classification: Likely benign for ANKRD11-related condition. Last evaluated: 2024-05-23. Review status: no assertion criteria provided. Collection method: clinical testing. Allele origin: germline. Not counted in ClinVar's aggregate classification.
Comment: This variant is classified as likely benign based on ACMG/AMP sequence variant interpretation guidelines (Richards et al. 2015 PMID: 25741868, with internal and published modifications).

NM_013275.6(ANKRD11):c.5413G>A (p.Val1805Ile)

Gene: ANKRD11 (ankyrin repeat domain 11; minus strand). Cytogenetic location: 16q24.3.
Variant type: single nucleotide variant.
Coding change: c.5413G>A on transcript NM_013275.6 (MANE Select); coding-DNA position 5413, G replaced by A.
Protein change: p.Val1805Ile; replaces valine 1805 with isoleucine.
Molecular consequence: missense variant.
Genome position (GRCh38, 1-based): chr16:89,281,129, C>T on the plus strand (G>A on the coding strand, the complement: ANKRD11 is on the minus strand). VCF-style: chr16-89281129-C-T. GRCh37 (hg19) VCF-style: chr16-89347537-C-T.
Other names: c.5413G>A, p.Val1805Ile (NM_001256182.2, NM_001256183.2); c.5413G>A (NM_013275.4); short protein forms V1805I.
Identifiers: ClinVar variation 706221 (VCV000706221.16), dbSNP rs151288302, ClinGen allele CA8241850.